The following is an entry in ClinVar:

NM_007357.3(COG2):c.479C>T (p.Ala160Val)

Gene: COG2 (component of oligomeric golgi complex 2; plus strand). Cytogenetic location: 1q42.2.
Variant type: single nucleotide variant.
Coding change: c.479C>T on transcript NM_007357.3 (MANE Select); coding-DNA position 479, C replaced by T.
Protein change: p.Ala160Val; replaces alanine 160 with valine.
Molecular consequence: missense variant.
Genome position (GRCh38, 1-based): chr1:230,664,581, C>T. VCF-style: chr1-230664581-C-T. GRCh37 (hg19) VCF-style: chr1-230800327-C-T.
Other names: c.479C>T, p.Ala160Val (NM_001145036.2); c.479C>T (NM_007357.2); short protein forms A160V.
Identifiers: ClinVar variation 2162129 (VCV002162129.5), dbSNP rs200673717, ClinGen allele CA1447420.

ClinVar aggregate classification (germline): Uncertain significance. Review status: criteria provided, multiple submitters, no conflicts (2 of 4 stars). 2 submissions from 2 submitters: Uncertain significance (2). Last evaluated 2024-10-26.

Conditions:
Congenital disorder of glycosylation, type IIq. Also called: CDG IIq. Identifiers: Orphanet 435934, MedGen C4479353, MONDO:0054559, OMIM 617395.

Allele frequency attached by ClinVar (database versions not stated): ExAC 0.00007; ESP Exome Variant Server 0.00008; 1000 Genomes Project 0.00020; 1000 Genomes Project 30x 0.00031.

Submissions (2):

Labcorp Genetics (formerly Invitae), Labcorp
Classification: Uncertain significance for Congenital disorder of glycosylation, type IIq. Last evaluated: 2024-10-26. Review status: criteria provided, single submitter. Criteria: Invitae Variant Classification Sherloc (09022015). Collection method: clinical testing. Allele origin: germline.
Comment: This sequence change replaces alanine, which is neutral and non-polar, with valine, which is neutral and non-polar, at codon 160 of the COG2 protein (p.Ala160Val). This variant is present in population databases (rs200673717, gnomAD 0.03%). This variant has not been reported in the literature in individuals affected with COG2-related conditions. ClinVar contains an entry for this variant (Variation ID: 2162129). Invitae Evidence Modeling of protein sequence and biophysical properties (such as structural, functional, and spatial information, amino acid conservation, physicochemical variation, residue mobility, and thermodynamic stability) indicates that this missense variant is not expected to disrupt COG2 protein function with a negative predictive value of 80%. In summary, the available evidence is currently insufficient to determine the role of this variant in disease. Therefore, it has been classified as a Variant of Uncertain Significance.

Ambry Genetics
Classification: Uncertain significance. Last evaluated: 2024-01-04. Review status: criteria provided, single submitter. Criteria: Ambry Variant Classification Scheme 2023. Collection method: clinical testing. Allele origin: germline.